The following is an entry in ClinVar:

ClinVar aggregate classification (germline): Conflicting classifications of pathogenicity. Review status: criteria provided, conflicting classifications (1 of 4 stars). 4 submissions from 4 submitters: Likely pathogenic (1); Uncertain significance (2). 1 of the submissions does not count toward it. Last evaluated 2024-01-19.

Conditions:
OTOF-related disorder. Also called: OTOF-related condition.
Autosomal recessive nonsyndromic hearing loss 9. Also called: OTOF-Related Hearing Loss; AUDITORY NEUROPATHY, AUTOSOMAL RECESSIVE, 1, TEMPERATURE-SENSITIVE; Deafness, autosomal recessive 9; NEUROSENSORY NONSYNDROMIC RECESSIVE DEAFNESS 9. Identifiers: Orphanet 90636, MedGen C1832828, MONDO:0010986, OMIM 601071.

Allele frequency attached by ClinVar (database versions not stated): TOPMed 0.00003.
gnomAD v4.1: 47 of 1,613,058 alleles (0.0029%); highest among the groups gnomAD compares: Admixed American, 0.02%; no homozygotes.

Submissions (4):

Blueprint Genetics
Classification: Likely pathogenic for OTOF-related disorders. Last evaluated: 2024-01-19. Review status: criteria provided, single submitter. Criteria: ACMG Guidelines, 2015. Collection method: clinical testing. Allele origin: germline. Affected: yes. Observed: 4 variant alleles.

Women's Health and Genetics/Laboratory Corporation of America, LabCorp
Classification: Uncertain significance. Last evaluated: 2023-04-27. Review status: criteria provided, single submitter. Criteria: LabCorp Variant Classification Summary - May 2015. Collection method: clinical testing. Allele origin: germline.
Comment: Variant summary: OTOF c.1469C>A (p.Pro490Gln) results in a non-conservative amino acid change located in the C2 domain of the encoded protein sequence. Four of five in-silico tools predict a damaging effect of the variant on protein function. The variant allele was found at a frequency of 3.6e-05 in 250848 control chromosomes. The available data on variant occurrences in the general population are insufficient to allow any conclusion about variant significance. c.1469C>A has been reported in the literature in individuals affected with Nonsyndromic Hearing Loss And Deafness with a likely pathogenic variant in cis (OTOF p.Ile515Thr). These report(s) do not provide unequivocal conclusions about association of the variant with Nonsyndromic Hearing Loss And Deafness, Type 9. To our knowledge, no experimental evidence demonstrating an impact on protein function has been reported. The following publications have been ascertained in the context of this evaluation (PMID: 12127154). One clinical diagnostic laboratory has submitted clinical-significance assessments for this variant to ClinVar after 2014 without evidence for independent evaluation and classified the variant as uncertain significance. Based on the evidence outlined above, the variant was classified as uncertain significance.

Victorian Clinical Genetics Services, Murdoch Childrens Research Institute
Classification: Uncertain significance for Autosomal recessive nonsyndromic hearing loss 9. Last evaluated: 2020-05-26. Review status: criteria provided, single submitter. Criteria: ACMG Guidelines, 2015. Collection method: clinical testing. Allele origin: germline. Inheritance: Autosomal recessive inheritance. Affected: yes.
Comment: Based on the classification scheme VCGS_Germline_v1.1.1, this variant is classified as 3A-VUS. Following criteria are met: 0102 - Loss-of-function is a known mechanism of disease for this gene. (N) 0106 - This gene is known to be associated with autosomal recessive disease. (N) 0200 - Variant is predicted to result in a missense amino acid change from a proline to a glutamine (exon 14). (N) 0251 - Variant is heterozygous. (N) 0304 - Variant is present in gnomAD <0.01 for a recessive condition (9 heterozygotes, 0 homozygotes). (P) 0309 - Multiple alternative amino acid changes at the same position have been observed in gnomAD (8 heterozygotes, 0 homozygotes). (N) 0502 - Missense variant with conflicting in silico predictions and high conservation. (N) 0600 - Variant is located in the annotated C2 domain (NCBI, PDB, DECIPHER). (N) 0704 - Comparable variant has low previous evidence for pathogenicity. An alternate missense variant at the same residue p.(Pro490Arg) has been reported as likely pathogenic in a family with deafness (PMID: 27652356). (P) 0808 - Previous reports of pathogenicity are conflicting. This variant is reported homozygous in one family and in cis with a likely pathogenic variant p.(Ile515Thr) in another family with deafness (PMID: 12127154, 16371502). (N) 0905 - No segregation evidence has been identified for this variant. (N) 1007 - No published functional evidence has been identified for this variant. (N) 1208 - Segregation information for this variant is not currently available. (N) 1208 - Inheritance information for this variant is not currently available. (N) Legend: (P) - Pathogenic, (N) - Neutral, (B) - Benign

GeneReviews
No classification provided. Condition: Autosomal recessive nonsyndromic hearing loss 9. Review status: no classification provided. Collection method: literature only. Allele origin: unknown. Not counted in ClinVar's aggregate classification.

Literature cited by the submitters: PubMed 12127154 (cited by 3 submitters); PubMed 16371502 (cited by Victorian Clinical Genetics Services, Murdoch Childrens Research Institute); PubMed 27652356 (cited by Victorian Clinical Genetics Services, Murdoch Childrens Research Institute); PubMed 20301429 (cited by GeneReviews); NCBI Bookshelf NBK1251 (cited by GeneReviews).

NM_194248.3(OTOF):c.1469C>A (p.Pro490Gln)

Gene: OTOF (otoferlin; minus strand). Cytogenetic location: 2p23.3.
Variant type: single nucleotide variant.
Coding change: c.1469C>A on transcript NM_194248.3 (MANE Select); coding-DNA position 1469, C replaced by A.
Protein change: p.Pro490Gln; replaces proline 490 with glutamine.
Molecular consequence: missense variant.
Genome position (GRCh38, 1-based): chr2:26,482,516, G>T on the plus strand (C>A on the coding strand, the complement: OTOF is on the minus strand). VCF-style: chr2-26482516-G-T. GRCh37 (hg19) VCF-style: chr2-26705384-G-T.
Other names: c.1469C>A, p.Pro490Gln (NM_001287489.2); short protein forms P490Q.
Identifiers: ClinVar variation 21823 (VCV000021823.6), dbSNP rs80356585, ClinGen allele CA342559.